The following is an entry in ClinVar:

ClinVar aggregate classification (germline): Uncertain significance. Review status: criteria provided, multiple submitters, no conflicts (2 of 4 stars). 2 submissions from 2 submitters: Uncertain significance (2). Last evaluated 2025-10-23.

Conditions:
MIP-related disorder. Also called: MIP-related condition.
Inborn genetic diseases. Identifiers: MedGen C0950123, MeSH D030342.

Allele frequency attached by ClinVar (database versions not stated): 1000 Genomes Project 0.00020; ExAC 0.00001; gnomAD 0.00001; gnomAD exomes 0.00001; TOPMed 0.00002; 1000 Genomes Project 30x 0.00016.
gnomAD v4.1: 6 of 1,614,004 alleles (0.00037%); highest among the groups gnomAD compares: African/African-American, 0.0013%; no homozygotes.

Submissions (2):

Ambry Genetics
Classification: Uncertain significance for Inborn genetic diseases. Last evaluated: 2025-10-23. Review status: criteria provided, single submitter. Criteria: Ambry Variant Classification Scheme 2023. Collection method: clinical testing. Allele origin: germline.

PreventionGenetics, part of Exact Sciences
Classification: Uncertain significance for MIP-related condition. Last evaluated: 2024-12-07. Review status: criteria provided, single submitter. Criteria: ACMG Guidelines, 2015. Collection method: clinical testing. Allele origin: germline.
Comment: The MIP c.268A>G variant is predicted to result in the amino acid substitution p.Met90Val. To our knowledge, this variant has not been reported in the literature. This variant is reported in 0.0063% of alleles in individuals of African descent in gnomAD. At this time, the clinical significance of this variant is uncertain due to the absence of conclusive functional and genetic evidence.

NM_012064.4(MIP):c.268A>G (p.Met90Val)

Gene: MIP (major intrinsic protein of lens fiber; minus strand). Cytogenetic location: 12q13.3.
Variant type: single nucleotide variant.
Coding change: c.268A>G on transcript NM_012064.4 (MANE Select); coding-DNA position 268, A replaced by G.
Protein change: p.Met90Val; replaces methionine 90 with valine.
Molecular consequence: missense variant.
Genome position (GRCh38, 1-based): chr12:56,454,346, T>C on the plus strand (A>G on the coding strand, the complement: MIP is on the minus strand). VCF-style: chr12-56454346-T-C. GRCh37 (hg19) VCF-style: chr12-56848130-T-C.
Other names: short protein forms M90V.
Identifiers: ClinVar variation 2288689 (VCV002288689.4), dbSNP rs559008561, ClinGen allele CA6632639.